The following is an entry in ClinVar:

NM_001042492.3(NF1):c.7253C>G (p.Thr2418Ser)

Gene: NF1 (neurofibromin 1; plus strand). Cytogenetic location: 17q11.2.
Variant type: single nucleotide variant.
Coding change: c.7253C>G on transcript NM_001042492.3 (MANE Select); coding-DNA position 7253, C replaced by G.
Protein change: p.Thr2418Ser; replaces threonine 2418 with serine.
Molecular consequence: missense variant.
Genome position (GRCh38, 1-based): chr17:31,349,183, C>G. VCF-style: chr17-31349183-C-G. GRCh37 (hg19) VCF-style: chr17-29676201-C-G.
Other names: c.7190C>G, p.Thr2397Ser (NM_000267.4); short protein forms T2397S, T2418S.
Identifiers: ClinVar variation 1719710 (VCV001719710.5), dbSNP rs764022114, ClinGen allele CA399016780.

ClinVar aggregate classification (germline): Uncertain significance (1 of 4 stars; one submission).

Conditions:
Neurofibromatosis, type 1 (NF1). Also called: Peripheral type neurofibromatosis; VON RECKLINGHAUSEN DISEASE; NEUROFIBROMATOSIS, TYPE I, SOMATIC; Neurofibromatosis, type I. Identifiers: Orphanet 636, MedGen C0027831, MONDO:0018975, OMIM 162200. Disease mechanism: loss of function.

Submission:

Labcorp Genetics (formerly Invitae), Labcorp
Classification: Uncertain significance for Neurofibromatosis, type 1. Last evaluated: 2023-05-22. Review status: criteria provided, single submitter. Criteria: Invitae Variant Classification Sherloc (09022015). Collection method: clinical testing. Allele origin: germline.
Comment: This variant is not present in population databases (gnomAD no frequency). This sequence change replaces threonine, which is neutral and polar, with serine, which is neutral and polar, at codon 2397 of the NF1 protein (p.Thr2397Ser). This variant has not been reported in the literature in individuals affected with NF1-related conditions. ClinVar contains an entry for this variant (Variation ID: 1719710). Advanced modeling of protein sequence and biophysical properties (such as structural, functional, and spatial information, amino acid conservation, physicochemical variation, residue mobility, and thermodynamic stability) performed at Invitae indicates that this missense variant is not expected to disrupt NF1 protein function. In summary, the available evidence is currently insufficient to determine the role of this variant in disease. Therefore, it has been classified as a Variant of Uncertain Significance.